The following is an entry in ClinVar:

NM_000081.4(LYST):c.4397G>T (p.Trp1466Leu)

Gene: LYST (lysosomal trafficking regulator; minus strand). Cytogenetic location: 1q42.3.
Variant type: single nucleotide variant.
Coding change: c.4397G>T on transcript NM_000081.4 (MANE Select); coding-DNA position 4397, G replaced by T.
Protein change: p.Trp1466Leu; replaces tryptophan 1466 with leucine.
Molecular consequence: missense variant.
Genome position (GRCh38, 1-based): chr1:235,791,845, C>A on the plus strand (G>T on the coding strand, the complement: LYST is on the minus strand). VCF-style: chr1-235791845-C-A. GRCh37 (hg19) VCF-style: chr1-235955145-C-A.
Other names: c.4397G>T, p.Trp1466Leu (NM_001301365.1); short protein forms W1466L.
Identifiers: ClinVar variation 2014419 (VCV002014419.1), dbSNP rs2103525958, ClinGen allele CA344959647.

ClinVar aggregate classification (germline): Uncertain significance (1 of 4 stars; one submission).

Conditions:
Chédiak-Higashi syndrome (CHS). Also called: Chediak-Higashi Syndrome. Identifiers: Orphanet 167, MedGen C0007965, MONDO:0008963, OMIM 214500.

Allele frequency attached by ClinVar (database versions not stated): gnomAD 0.00001.
gnomAD v4.1: 1 of 1,614,114 alleles (0.000062%); highest among the groups gnomAD compares: East Asian, 0.0022%; no homozygotes.

Submission:

Labcorp Genetics (formerly Invitae), Labcorp
Classification: Uncertain significance for Chédiak-Higashi syndrome. Last evaluated: 2022-07-06. Review status: criteria provided, single submitter. Criteria: Invitae Variant Classification Sherloc (09022015). Collection method: clinical testing. Allele origin: germline.
Comment: This sequence change replaces tryptophan, which is neutral and slightly polar, with leucine, which is neutral and non-polar, at codon 1466 of the LYST protein (p.Trp1466Leu). This variant is not present in population databases (gnomAD no frequency). This variant has not been reported in the literature in individuals affected with LYST-related conditions. Algorithms developed to predict the effect of missense changes on protein structure and function are either unavailable or do not agree on the potential impact of this missense change (SIFT: "Tolerated"; PolyPhen-2: "Probably Damaging"; Align-GVGD: "Class C0"). In summary, the available evidence is currently insufficient to determine the role of this variant in disease. Therefore, it has been classified as a Variant of Uncertain Significance.